The following is an entry in ClinVar:

NM_000179.3(MSH6):c.3516A>T (p.Arg1172Ser)

Gene: MSH6 (mutS homolog 6; plus strand). Cytogenetic location: 2p16.3.
Variant type: single nucleotide variant.
Coding change: c.3516A>T on transcript NM_000179.3 (MANE Select); coding-DNA position 3516, A replaced by T.
Protein change: p.Arg1172Ser; replaces arginine 1172 with serine.
Molecular consequence: missense variant.
Genome position (GRCh38, 1-based): chr2:47,804,987, A>T. VCF-style: chr2-47804987-A-T. GRCh37 (hg19) VCF-style: chr2-48032126-A-T.
Other names: c.3126A>T, p.Arg1042Ser (NM_001281492.2); c.2610A>T, p.Arg870Ser (NM_001281493.2, NM_001281494.2); short protein forms R1172S, R870S, R1042S.
Identifiers: ClinVar variation 483828 (VCV000483828.8), dbSNP rs1553332262, ClinGen allele CA346760202.

ClinVar aggregate classification (germline): Uncertain significance. Review status: criteria provided, multiple submitters, no conflicts (2 of 4 stars). 2 submissions from 2 submitters: Uncertain significance (2). Last evaluated 2023-08-24.

Conditions:
Hereditary nonpolyposis colorectal neoplasms. Identifiers: MedGen C0009405, MeSH D003123.
Hereditary cancer-predisposing syndrome. Also called: Neoplastic Syndromes, Hereditary; Tumor predisposition; Hereditary Cancer Syndrome; Hereditary neoplastic syndrome. Identifiers: Orphanet 140162, MedGen C0027672, MeSH D009386, MONDO:0015356.

Allele frequency attached by ClinVar (database versions not stated): gnomAD exomes below 0.00001.

Submissions (2):

Labcorp Genetics (formerly Invitae), Labcorp
Classification: Uncertain significance for Hereditary nonpolyposis colorectal neoplasms. Last evaluated: 2023-08-24. Review status: criteria provided, single submitter. Criteria: Invitae Variant Classification Sherloc (09022015). Collection method: clinical testing. Allele origin: germline.
Comment: In summary, the available evidence is currently insufficient to determine the role of this variant in disease. Therefore, it has been classified as a Variant of Uncertain Significance. Advanced modeling of protein sequence and biophysical properties (such as structural, functional, and spatial information, amino acid conservation, physicochemical variation, residue mobility, and thermodynamic stability) performed at Invitae indicates that this missense variant is expected to disrupt MSH6 protein function. ClinVar contains an entry for this variant (Variation ID: 483828). This variant has not been reported in the literature in individuals affected with MSH6-related conditions. This variant is not present in population databases (gnomAD no frequency). This sequence change replaces arginine, which is basic and polar, with serine, which is neutral and polar, at codon 1172 of the MSH6 protein (p.Arg1172Ser).

Ambry Genetics
Classification: Uncertain significance for Hereditary cancer-predisposing syndrome. Last evaluated: 2016-12-22. Review status: criteria provided, single submitter. Criteria: Ambry Variant Classification Scheme 2023. Collection method: clinical testing. Allele origin: germline.
Comment: The p.R1172S variant (also known as c.3516A>T), located in coding exon 6 of the MSH6 gene, results from an A to T substitution at nucleotide position 3516. The arginine at codon 1172 is replaced by serine, an amino acid with dissimilar properties. This amino acid position is highly conserved in available vertebrate species. In addition, this alteration is predicted to be deleterious by in silico analysis. In addition, the CoDP in silico tool predicts this alteration is likely to impair molecular function, with a score of 0.998 (Terui H et al. J. Biomed. Sci. 2013;20:25). Since supporting evidence is limited at this time, the clinical significance of this alteration remains unclear.